The following is an entry in ClinVar:

ClinVar aggregate classification (germline): Pathogenic (1 of 4 stars; one submission).

Allele frequency attached by ClinVar (database versions not stated): ExAC 0.00003; gnomAD exomes 0.00002.

Submission:

Labcorp Genetics (formerly Invitae), Labcorp
Classification: Pathogenic. Last evaluated: 2025-08-12. Review status: criteria provided, single submitter. Criteria: Invitae Variant Classification Sherloc (09022015). Collection method: clinical testing. Allele origin: germline.
Comment: This sequence change creates a premature translational stop signal (p.Arg150*) in the SLC26A5 gene. It is expected to result in an absent or disrupted protein product. Loss-of-function variants in SLC26A5 are known to be pathogenic (PMID: 12239568, 24164807). This variant is present in population databases (rs757994723, gnomAD 0.01%). This variant has not been reported in the literature in individuals affected with SLC26A5-related conditions. ClinVar contains an entry for this variant (Variation ID: 2890185). Algorithms developed to predict the effect of sequence changes on RNA splicing suggest that this variant may disrupt the consensus splice site. For these reasons, this variant has been classified as Pathogenic.

Literature cited by the submitters: PubMed 12239568; PubMed 24164807.

NM_198999.3(SLC26A5):c.448C>T (p.Arg150Ter)

Gene: SLC26A5 (solute carrier family 26 member 5; minus strand). Cytogenetic location: 7q22.1.
Variant type: single nucleotide variant.
Coding change: c.448C>T on transcript NM_198999.3 (MANE Select); coding-DNA position 448, C replaced by T.
Protein change: p.Arg150Ter; replaces arginine 150 with a stop codon.
Molecular consequence: nonsense. On other transcripts: non-coding transcript variant (5).
Genome position (GRCh38, 1-based): chr7:103,411,542, G>A on the plus strand (C>T on the coding strand, the complement: SLC26A5 is on the minus strand). VCF-style: chr7-103411542-G-A. GRCh37 (hg19) VCF-style: chr7-103051989-G-A.
Other names: c.448C>T, p.Arg150Ter (NM_001167962.2, NM_001321787.2, NM_206883.3 and 2 more transcripts); short protein forms R150*.
Identifiers: ClinVar variation 2890185 (VCV002890185.3), dbSNP rs757994723, ClinGen allele CA4419778.